The following is an entry in ClinVar:

NM_015509.4(NECAP1):c.581A>T (p.Lys194Ile)

Gene: NECAP1 (NECAP endocytosis associated 1; plus strand). Cytogenetic location: 12p13.31.
Variant type: single nucleotide variant.
Coding change: c.581A>T on transcript NM_015509.4 (MANE Select); coding-DNA position 581, A replaced by T.
Protein change: p.Lys194Ile; replaces lysine 194 with isoleucine.
Molecular consequence: missense variant. On other transcripts: non-coding transcript variant (1).
Genome position (GRCh38, 1-based): chr12:8,092,960, A>T. VCF-style: chr12-8092960-A-T. GRCh37 (hg19) VCF-style: chr12-8245556-A-T.
Other names: short protein forms K194I.
Identifiers: ClinVar variation 1503086 (VCV001503086.6), dbSNP rs765855460, ClinGen allele CA383800610.

ClinVar aggregate classification (germline): Uncertain significance (1 of 4 stars; one submission).

Conditions:
Developmental and epileptic encephalopathy, 21 (DEE21). Also called: Early infantile epileptic encephalopathy 21. Identifiers: Orphanet 442835, MedGen C4014430, MONDO:0014360, OMIM 615833.

gnomAD v4.1: 2 of 1,609,852 alleles (0.00012%); highest among the groups gnomAD compares: Admixed American, 0.0034%; no homozygotes.

Submission:

Labcorp Genetics (formerly Invitae), Labcorp
Classification: Uncertain significance for Developmental and epileptic encephalopathy, 21. Last evaluated: 2022-11-22. Review status: criteria provided, single submitter. Criteria: Invitae Variant Classification Sherloc (09022015). Collection method: clinical testing. Allele origin: germline.
Comment: Algorithms developed to predict the effect of missense changes on protein structure and function are either unavailable or do not agree on the potential impact of this missense change (SIFT: "Not Available"; PolyPhen-2: "Probably Damaging"; Align-GVGD: "Not Available"). ClinVar contains an entry for this variant (Variation ID: 1503086). In summary, the available evidence is currently insufficient to determine the role of this variant in disease. Therefore, it has been classified as a Variant of Uncertain Significance. This variant has not been reported in the literature in individuals affected with NECAP1-related conditions. This variant is not present in population databases (gnomAD no frequency). This sequence change replaces lysine, which is basic and polar, with isoleucine, which is neutral and non-polar, at codon 194 of the NECAP1 protein (p.Lys194Ile).